The following is an entry in ClinVar:

ClinVar aggregate classification (germline): Benign. Review status: criteria provided, multiple submitters, no conflicts (2 of 4 stars). 4 submissions from 3 submitters: Benign (4). Last evaluated 2018-01-13.

Conditions:
Disorders of Intracellular Cobalamin Metabolism. Identifiers: MedGen CN043592.
Methylmalonic aciduria and homocystinuria type cblD (MAHCD). Also called: Methylmalonic aciduria with homocystinuria cblD type; METHYLMALONIC ACIDEMIA, cblH TYPE. Identifiers: Orphanet 622, Orphanet 79283, MedGen C1848552, MONDO:0010185, OMIM 277410.

Allele frequency attached by ClinVar (database versions not stated): ExAC 0.00645; gnomAD 0.02080 and 0.02222; TOPMed 0.02162; 1000 Genomes Project 30x 0.02171; 1000 Genomes Project 0.02177; ESP Exome Variant Server 0.02483.
gnomAD v4.1: 6,166 of 1,589,666 alleles (0.39%); highest among the groups gnomAD compares: African/African-American, 7.1%; 206 homozygotes.

Submissions (4):

Illumina Laboratory Services, Illumina
Classification: Benign for Methylmalonic aciduria and homocystinuria type cblD. Last evaluated: 2018-01-13. Review status: criteria provided, single submitter. Criteria: ICSL Variant Classification Criteria 13 December 2019. Collection method: clinical testing. Allele origin: germline.
Comment: This variant was observed in the ICSL laboratory as part of a predisposition screen in an ostensibly healthy population. It had not been previously curated by ICSL or reported in the Human Gene Mutation Database (HGMD: prior to June 1st, 2018), and was therefore a candidate for classification through an automated scoring system. Utilizing variant allele frequency, disease prevalence and penetrance estimates, and inheritance mode, an automated score was calculated to assess if this variant is too frequent to cause the disease. Based on the score and internal cut-off values, a variant classified as benign is not then subjected to further curation. The score for this variant resulted in a classification of benign for this disease.

Illumina Laboratory Services, Illumina
Classification: Benign for Disorders of Intracellular Cobalamin Metabolism. Last evaluated: 2018-01-13. Review status: criteria provided, single submitter. Criteria: ICSL Variant Classification Criteria 13 December 2019. Collection method: clinical testing. Allele origin: germline.
Comment: the same text as in the submission from Illumina Laboratory Services, Illumina above.

GeneDx
Classification: Benign. Last evaluated: 2016-03-15. Review status: criteria provided, single submitter. Criteria: GeneDx Variant Classification (06012015). Collection method: clinical testing. Allele origin: germline. Affected: yes.
Comment: This variant is considered likely benign or benign based on one or more of the following criteria: it is a conservative change, it occurs at a poorly conserved position in the protein, it is predicted to be benign by multiple in silico algorithms, and/or has population frequency not consistent with disease.

Breakthrough Genomics
Classification: Benign. Review status: criteria provided, single submitter. Criteria: ACMG Guidelines, 2015. Collection method: not provided. Allele origin: germline. Inheritance: Autosomal recessive inheritance. Affected: yes.

NM_015702.3(MMADHC):c.-49T>C

Genes: MMADHC (metabolism of cobalamin associated D; minus strand), LOC126806368 (MED14-independent group 3 enhancer GRCh37_chr2:150443500-150444699; plus strand). Cytogenetic location: 2q23.2.
Variant type: single nucleotide variant.
Coding change: c.-49T>C on transcript NM_015702.3 (MANE Select); 49 bases upstream of the start codon, T replaced by C.
Molecular consequence: 5 prime UTR variant.
Genome position (GRCh38, 1-based): chr2:149,587,146, A>G on the plus strand (T>C on the coding strand, the complement: MMADHC is on the minus strand). VCF-style: chr2-149587146-A-G. GRCh37 (hg19) VCF-style: chr2-150443660-A-G.
Identifiers: ClinVar variation 331386 (VCV000331386.6), dbSNP rs79997772, ClinGen allele CA1902541.